The following is an entry in ClinVar:

NM_020806.5(GPHN):c.1589A>C (p.Lys530Thr)

Gene: GPHN (gephyrin; plus strand). Cytogenetic location: 14q23.3.
Variant type: single nucleotide variant.
Coding change: c.1589A>C on transcript NM_020806.5 (MANE Select); coding-DNA position 1589, A replaced by C.
Protein change: p.Lys530Thr; replaces lysine 530 with threonine.
Molecular consequence: missense variant.
Genome position (GRCh38, 1-based): chr14:67,113,134, A>C. VCF-style: chr14-67113134-A-C. GRCh37 (hg19) VCF-style: chr14-67579851-A-C.
Other names: c.1649A>C, p.Lys550Thr (NM_001377514.1); c.1619A>C, p.Lys540Thr (NM_001377515.1); c.1610A>C, p.Lys537Thr (NM_001377516.1); c.1562A>C, p.Lys521Thr (NM_001377517.1); c.1547A>C, p.Lys516Thr (NM_001377518.1); c.1529A>C, p.Lys510Thr (NM_001377519.1); c.1490A>C, p.Lys497Thr (NM_001024218.2); short protein forms K497T, K516T, K510T, K537T, K540T, K521T, K550T, K530T.
Identifiers: ClinVar variation 2095345 (VCV002095345.4), dbSNP rs2543403084, ClinGen allele CA390258880.

ClinVar aggregate classification (germline): Uncertain significance (1 of 4 stars; one submission).

Conditions:
Sulfite oxidase deficiency due to molybdenum cofactor deficiency type C. Also called: Molybdenum cofactor deficiency, complementation group C; Molybdenum cofactor deficiency C. Identifiers: Orphanet 308400, Orphanet 833, MedGen C1854990, MONDO:0014212, OMIM 615501.

Submission:

Labcorp Genetics (formerly Invitae), Labcorp
Classification: Uncertain significance for Sulfite oxidase deficiency due to molybdenum cofactor deficiency type C. Last evaluated: 2022-08-15. Review status: criteria provided, single submitter. Criteria: Invitae Variant Classification Sherloc (09022015). Collection method: clinical testing. Allele origin: germline.
Comment: This sequence change replaces lysine, which is basic and polar, with threonine, which is neutral and polar, at codon 530 of the GPHN protein (p.Lys530Thr). In summary, the available evidence is currently insufficient to determine the role of this variant in disease. Therefore, it has been classified as a Variant of Uncertain Significance. Algorithms developed to predict the effect of missense changes on protein structure and function are either unavailable or do not agree on the potential impact of this missense change (SIFT: "Deleterious"; PolyPhen-2: "Probably Damaging"; Align-GVGD: "Class C0"). This variant has not been reported in the literature in individuals affected with GPHN-related conditions. This variant is not present in population databases (gnomAD no frequency).